The following is an entry in ClinVar:

NM_024649.5(BBS1):c.235G>T (p.Glu79Ter)

Gene: BBS1 (Bardet-Biedl syndrome 1; plus strand). Cytogenetic location: 11q13.2.
Variant type: single nucleotide variant.
Coding change: c.235G>T on transcript NM_024649.5 (MANE Select); coding-DNA position 235, G replaced by T.
Protein change: p.Glu79Ter; replaces glutamic acid 79 with a stop codon.
Molecular consequence: nonsense.
Genome position (GRCh38, 1-based): chr11:66,514,481, G>T. VCF-style: chr11-66514481-G-T. GRCh37 (hg19) VCF-style: chr11-66281952-G-T.
Other names: short protein forms E79*.
Identifiers: ClinVar variation 851968 (VCV000851968.7), dbSNP rs138744839, ClinGen allele CA381456081.

ClinVar aggregate classification (germline): Pathogenic (1 of 4 stars; one submission).

Conditions:
Bardet-Biedl syndrome (BBS). Identifiers: Orphanet 110, MedGen C0752166, MONDO:0015229.

Submission:

Labcorp Genetics (formerly Invitae), Labcorp
Classification: Pathogenic for Bardet-Biedl syndrome. Last evaluated: 2019-02-13. Review status: criteria provided, single submitter. Criteria: Invitae Variant Classification Sherloc (09022015). Collection method: clinical testing. Allele origin: germline.
Comment: This variant is not present in population databases (ExAC no frequency). For these reasons, this variant has been classified as Pathogenic. Loss-of-function variants in BBS1 are known to be pathogenic (PMID: 12118255). This variant has not been reported in the literature in individuals with BBS1-related conditions. This sequence change creates a premature translational stop signal (p.Glu79*) in the BBS1 gene. It is expected to result in an absent or disrupted protein product.

Literature cited by the submitters: PubMed 12118255.